The following is an entry in ClinVar:

ClinVar aggregate classification (germline): Uncertain significance. Review status: criteria provided, multiple submitters, no conflicts (2 of 4 stars). 2 submissions from 2 submitters: Uncertain significance (2). Last evaluated 2026-08-15.

Conditions:
Neutropenia, severe congenital, 2, autosomal dominant. Identifiers: Orphanet 486, MedGen C2751288, MONDO:0013139, OMIM 613107.

gnomAD v4.1: 1 of 1,606,326 alleles (0.000062%); highest among the groups gnomAD compares: African/African-American, 0.0013%; no homozygotes.

Submissions (2):

Ambry Genetics
Classification: Uncertain significance. Last evaluated: 2026-08-15. Review status: criteria provided, single submitter. Criteria: Ambry Variant Classification Scheme 2023. Collection method: clinical testing. Allele origin: germline.
Comment: The p.P51L variant (also known as c.152C>T), located in coding exon 2 of the GFI1 gene, results from a C to T substitution at nucleotide position 152. The proline at codon 51 is replaced by leucine, an amino acid with similar properties. This amino acid position is conserved. In addition, this alteration is predicted to be tolerated by in silico analysis. Based on the available evidence, the clinical significance of this variant remains unclear.

Labcorp Genetics (formerly Invitae), Labcorp
Classification: Uncertain significance for Neutropenia, severe congenital, 2, autosomal dominant. Last evaluated: 2024-05-23. Review status: criteria provided, single submitter. Criteria: Invitae Variant Classification Sherloc (09022015). Collection method: clinical testing. Allele origin: germline.
Comment: This sequence change replaces proline, which is neutral and non-polar, with leucine, which is neutral and non-polar, at codon 51 of the GFI1 protein (p.Pro51Leu). This variant is present in population databases (no rsID available, gnomAD 0.01%). This variant has not been reported in the literature in individuals affected with GFI1-related conditions. Advanced modeling of protein sequence and biophysical properties (such as structural, functional, and spatial information, amino acid conservation, physicochemical variation, residue mobility, and thermodynamic stability) performed at Invitae indicates that this missense variant is not expected to disrupt GFI1 protein function with a negative predictive value of 80%. In summary, the available evidence is currently insufficient to determine the role of this variant in disease. Therefore, it has been classified as a Variant of Uncertain Significance.

NM_005263.5(GFI1):c.152C>T (p.Pro51Leu)

Gene: GFI1 (growth factor independent 1 transcriptional repressor; minus strand). Cytogenetic location: 1p22.1.
Variant type: single nucleotide variant.
Coding change: c.152C>T on transcript NM_005263.5 (MANE Select); coding-DNA position 152, C replaced by T.
Protein change: p.Pro51Leu; replaces proline 51 with leucine.
Molecular consequence: missense variant.
Genome position (GRCh38, 1-based): chr1:92,483,010, G>A on the plus strand (C>T on the coding strand, the complement: GFI1 is on the minus strand). VCF-style: chr1-92483010-G-A. GRCh37 (hg19) VCF-style: chr1-92948567-G-A.
Other names: c.152C>T, p.Pro51Leu (NM_001127215.3, NM_001127216.3); short protein forms P51L.
Identifiers: ClinVar variation 3690160 (VCV003690160.3).
Genomic context (GRCh38, chr1:92,483,010, plus strand): 5'-GATGCGGAGGCTCTGTCTGGGGCTTCGGTCAGCTGCGATTCGGGGGACAAACGGTCCCGG[G>A]GCTCCGCCTTCGCCCCGCCTGCATTTGAAGTGCTGTCTGCAAAGAGGAGGCAGGTGAGGG-3'
Protein context (NP_005254.2, residues 41-61): TSNAGGAKAE[Pro51Leu]RDRLSPESQL